The following is an entry in ClinVar:

ClinVar aggregate classification (germline): Uncertain significance. Review status: criteria provided, multiple submitters, no conflicts (2 of 4 stars). 2 submissions from 2 submitters: Uncertain significance (2). Last evaluated 2022-06-13.

Conditions:
Autosomal recessive limb-girdle muscular dystrophy type 2O. Also called: Limb-Girdle Muscular Dystrophy Type 3C; MUSCULAR DYSTROPHY-DYSTROGLYCANOPATHY (LIMB-GIRDLE), TYPE C, 3; MUSCULAR DYSTROPHY-DYSTROGLYCANOPATHY, LIMB-GIRDLE, POMGNT1-RELATED. Identifiers: Orphanet 206564, MedGen C3150417, MONDO:0013161, OMIM 613157.
Muscular dystrophy-dystroglycanopathy (congenital with impaired intellectual development), type B, 3. Also called: MUSCULAR DYSTROPHY, CONGENITAL, POMGNT1-RELATED; Muscular dystrophy-dystroglycanopathy (congenital with intellectual disability), type B3. Identifiers: MedGen C3150412, MONDO:0013155, OMIM 613151.

Submissions (2):

Labcorp Genetics (formerly Invitae), Labcorp
Classification: Uncertain significance for Autosomal recessive limb-girdle muscular dystrophy type 2O; Muscular dystrophy-dystroglycanopathy (congenital with impaired intellectual development), type B, 3. Last evaluated: 2022-06-13. Review status: criteria provided, single submitter. Criteria: Invitae Variant Classification Sherloc (09022015). Collection method: clinical testing. Allele origin: germline.
Comment: This variant has not been reported in the literature in individuals affected with POMGNT1-related conditions. This variant is not present in population databases (gnomAD no frequency). This sequence change replaces leucine, which is neutral and non-polar, with histidine, which is basic and polar, at codon 45 of the POMGNT1 protein (p.Leu45His). Advanced modeling of protein sequence and biophysical properties (such as structural, functional, and spatial information, amino acid conservation, physicochemical variation, residue mobility, and thermodynamic stability) performed at Invitae indicates that this missense variant is not expected to disrupt POMGNT1 protein function. In summary, the available evidence is currently insufficient to determine the role of this variant in disease. Therefore, it has been classified as a Variant of Uncertain Significance.

Blueprint Genetics
Classification: Uncertain significance. Last evaluated: 2022-03-04. Review status: criteria provided, single submitter. Criteria: ACMG Guidelines, 2015. Collection method: clinical testing. Allele origin: germline.

NM_017739.4(POMGNT1):c.134T>A (p.Leu45His)

Gene: POMGNT1 (protein O-linked mannose N-acetylglucosaminyltransferase 1 (beta 1,2-); minus strand). Cytogenetic location: 1p34.1.
Variant type: single nucleotide variant.
Coding change: c.134T>A on transcript NM_017739.4 (MANE Select); coding-DNA position 134, T replaced by A.
Protein change: p.Leu45His; replaces leucine 45 with histidine.
Molecular consequence: missense variant. On other transcripts: 5 prime UTR variant (1).
Genome position (GRCh38, 1-based): chr1:46,197,071, A>T on the plus strand (T>A on the coding strand, the complement: POMGNT1 is on the minus strand). VCF-style: chr1-46197071-A-T. GRCh37 (hg19) VCF-style: chr1-46662743-A-T.
Other names: c.134T>A, p.Leu45His (NM_001243766.2, NM_001410783.1); c.68T>A, p.Leu23His (NM_001290129.3); c.-296T>A (NM_001290130.2); short protein forms L23H, L45H.
Identifiers: ClinVar variation 1388655 (VCV001388655.7), dbSNP rs2148219431, ClinGen allele CA340192344.